The following is an entry in ClinVar:

ClinVar aggregate classification (germline): Uncertain significance (1 of 4 stars; one submission).

Conditions:
Familial cancer of breast. Also called: hereditary breast carcinoma; BREAST CANCER, FAMILIAL; Hereditary breast cancer. Identifiers: Orphanet 227535, MedGen C0346153, MONDO:0016419, OMIM 114480. Disease mechanism: loss of function.

Submission:

Labcorp Genetics (formerly Invitae), Labcorp
Classification: Uncertain significance for Familial cancer of breast. Last evaluated: 2023-02-18. Review status: criteria provided, single submitter. Criteria: Invitae Variant Classification Sherloc (09022015). Collection method: clinical testing. Allele origin: germline.
Comment: In summary, the available evidence is currently insufficient to determine the role of this variant in disease. Therefore, it has been classified as a Variant of Uncertain Significance. An algorithm developed to predict the effect of missense changes on protein structure and function (PolyPhen-2) suggests that this variant is likely to be disruptive. This variant has not been reported in the literature in individuals affected with BARD1-related conditions. This variant is not present in population databases (gnomAD no frequency). This sequence change replaces lysine, which is basic and polar, with threonine, which is neutral and polar, at codon 583 of the BARD1 protein (p.Lys583Thr).

NM_000465.4(BARD1):c.1748A>C (p.Lys583Thr)

Gene: BARD1 (BRCA1 associated RING domain 1; minus strand). Cytogenetic location: 2q35.
Variant type: single nucleotide variant.
Coding change: c.1748A>C on transcript NM_000465.4 (MANE Select); coding-DNA position 1748, A replaced by C.
Protein change: p.Lys583Thr; replaces lysine 583 with threonine.
Molecular consequence: missense variant. On other transcripts: non-coding transcript variant (3), intron variant (1).
Genome position (GRCh38, 1-based): chr2:214,745,784, T>G on the plus strand (A>C on the coding strand, the complement: BARD1 is on the minus strand). VCF-style: chr2-214745784-T-G. GRCh37 (hg19) VCF-style: chr2-215610508-T-G.
Other names: c.1691A>C, p.Lys564Thr (NM_001282543.2); c.395A>C, p.Lys132Thr (NM_001282545.2); c.338A>C, p.Lys113Thr (NM_001282548.2); c.365-15276A>C (NM_001282549.2); short protein forms K132T, K583T, K113T, K564T.
Identifiers: ClinVar variation 2838670 (VCV002838670.3), dbSNP rs2469342766, ClinGen allele CA350452970.